The following is an entry in ClinVar:

ClinVar aggregate classification (germline): no classifications from unflagged records (0 of 4 stars; one submission).

Submission:

ISCA site 1
Classification: Benign. Last evaluated: 2018-02-09. Review status: flagged submission. Collection method: clinical testing. Allele origin: unknown. Affected: yes. Observed: 1 variant allele.
Comment: Copy number variation identified through the course of routine clinical cytogenomic testing in postnatal populations, with clinical assertions as classified by the original submitter. For data from the original published study, Kaminsky, et al. 2011 (PubMed 21844811), please see nstd101.
ClinVar note: Notes: This submission was flagged because its interpretation of this variant conflicts with the ClinGen Gene Dosage Map curation for the gene STS.
ClinVar note: Reason: Conflict with ClinGen Gene Dosage Map

GRCh38/hg38 Xp22.31(chrX:6787227-7917114)x1

Genes: MIR4767 (microRNA 4767; plus strand), PNPLA4 (patatin like domain 4, phospholipase and triacylglycerol lipase; minus strand), PUDP (pseudouridine 5'-phosphatase; minus strand), STS (steroid sulfatase; plus strand), VCX (variable charge X-linked; plus strand) and 12 more. Cytogenetic location: Xp22.31.
Variant type: copy number loss.
Change: copy number 1 of chrX:6,787,227-7,917,114 (1.13 Mb, GRCh38 coordinates, 1-based), cytogenetic band Xp22.31.
Identifiers: ClinVar variation 146224 (VCV000146224.3).